The following is an entry in ClinVar:

ClinVar aggregate classification (germline): Uncertain significance (1 of 4 stars; one submission).

Conditions:
Familial adenomatous polyposis 1 (FAP1). Also called: FAMILIAL ADENOMATOUS POLYPOSIS 1, ATTENUATED; POLYPOSIS, ADENOMATOUS INTESTINAL. Identifiers: MedGen C2713442, MONDO:0021056, OMIM 175100. Disease mechanism: loss of function.

Allele frequency attached by ClinVar (database versions not stated): gnomAD exomes below 0.00001.
gnomAD v4.1: 1 of 1,614,022 alleles (0.000062%); highest among the groups gnomAD compares: African/African-American, 0.0013%; no homozygotes.

Submission:

Labcorp Genetics (formerly Invitae), Labcorp
Classification: Uncertain significance for Familial adenomatous polyposis 1. Last evaluated: 2023-02-18. Review status: criteria provided, single submitter. Criteria: Invitae Variant Classification Sherloc (09022015). Collection method: clinical testing. Allele origin: germline.
Comment: This variant is not present in population databases (gnomAD no frequency). This sequence change replaces methionine, which is neutral and non-polar, with valine, which is neutral and non-polar, at codon 743 of the APC protein (p.Met743Val). This variant has not been reported in the literature in individuals affected with APC-related conditions. In summary, the available evidence is currently insufficient to determine the role of this variant in disease. Therefore, it has been classified as a Variant of Uncertain Significance. Advanced modeling of protein sequence and biophysical properties (such as structural, functional, and spatial information, amino acid conservation, physicochemical variation, residue mobility, and thermodynamic stability) performed at Invitae indicates that this missense variant is not expected to disrupt APC protein function.

NM_000038.6(APC):c.2227A>G (p.Met743Val)

Gene: APC (APC regulator of Wnt signaling pathway; plus strand). Cytogenetic location: 5q22.2.
Variant type: single nucleotide variant.
Coding change: c.2227A>G on transcript NM_000038.6 (MANE Select); coding-DNA position 2227, A replaced by G.
Protein change: p.Met743Val; replaces methionine 743 with valine.
Molecular consequence: missense variant. On other transcripts: non-coding transcript variant (2).
Genome position (GRCh38, 1-based): chr5:112,837,821, A>G. VCF-style: chr5-112837821-A-G. GRCh37 (hg19) VCF-style: chr5-112173518-A-G.
Other names: c.2227A>G, p.Met743Val (NM_001127510.3, NM_001354895.2, NM_001407450.1); c.2173A>G, p.Met725Val (NM_001127511.3); c.2281A>G, p.Met761Val (NM_001354896.2, NM_001407447.1, NM_001407448.1 and 1 more transcripts); c.2257A>G, p.Met753Val (NM_001354897.2); c.2152A>G, p.Met718Val (NM_001354898.2); c.2143A>G, p.Met715Val (NM_001354899.2); c.2104A>G, p.Met702Val (NM_001354900.2); c.2050A>G, p.Met684Val (NM_001354901.2, NM_001407453.1); and 11 more; short protein forms M652V, M753V, M359V, M614V, M684V, M715V, M718V, M761V.
Identifiers: ClinVar variation 2918228 (VCV002918228.3), dbSNP rs2149863810, ClinGen allele CA16026212.